The following is an entry in ClinVar:

ClinVar aggregate classification (germline): Uncertain significance. Review status: criteria provided, multiple submitters, no conflicts (2 of 4 stars). 2 submissions from 2 submitters: Uncertain significance (2). Last evaluated 2025-06-23.

Conditions:
Hereditary cancer-predisposing syndrome. Also called: Neoplastic Syndromes, Hereditary; Tumor predisposition; Hereditary Cancer Syndrome; Hereditary neoplastic syndrome. Identifiers: Orphanet 140162, MedGen C0027672, MeSH D009386, MONDO:0015356.

Submissions (2):

Ambry Genetics
Classification: Uncertain significance for Hereditary cancer-predisposing syndrome. Last evaluated: 2025-06-23. Review status: criteria provided, single submitter. Criteria: Ambry Variant Classification Scheme 2023. Collection method: clinical testing. Allele origin: germline.
Comment: The p.G116R variant (also known as c.346G>C), located in coding exon 2 of the CHEK2 gene, results from a G to C substitution at nucleotide position 346. The glycine at codon 116 is replaced by arginine, an amino acid with dissimilar properties. This amino acid position is highly conserved in available vertebrate species. In addition, this alteration is predicted to be deleterious by in silico analysis. Based on the available evidence, the clinical significance of this variant remains unclear.

Genetic Services Laboratory, University of Chicago
Classification: Uncertain significance. Last evaluated: 2021-08-04. Review status: criteria provided, single submitter. Criteria: ACMG Guidelines, 2015. Collection method: clinical testing. Allele origin: germline. Affected: no.
Comment: DNA sequence analysis of the CHEK2 gene demonstrated a sequence change, c.346G>C, in exon 3 that results in an amino acid change, p.Gly116Arg. The c.346G>C sequence change has not been described in population databases including EXAC and gnomAD. The p.Gly116Arg change affects a highly conserved amino acid residue located in a domain of the CHEK2 protein that is known to be functional. The p.Gly116Arg substitution appears to be deleterious using several in-silico pathogenicity prediction tools (SIFT, PolyPhen2, Align GVGD, REVEL). Due to insufficient evidences and the lack of functional studies, the clinical significance of the p.Gly116Arg change remains unknown at this time.

NM_007194.4(CHEK2):c.346G>C (p.Gly116Arg)

Gene: CHEK2 (checkpoint kinase 2; minus strand). Cytogenetic location: 22q12.1.
Variant type: single nucleotide variant.
Coding change: c.346G>C on transcript NM_007194.4 (MANE Select); coding-DNA position 346, G replaced by C.
Protein change: p.Gly116Arg; replaces glycine 116 with arginine.
Molecular consequence: missense variant.
Genome position (GRCh38, 1-based): chr22:28,725,341, C>G on the plus strand (G>C on the coding strand, the complement: CHEK2 is on the minus strand). VCF-style: chr22-28725341-C-G. GRCh37 (hg19) VCF-style: chr22-29121329-C-G.
Other names: c.475G>C, p.Gly159Arg (NM_001005735.3); c.-432G>C (NM_001257387.3); c.346G>C, p.Gly116Arg (NM_001349956.3, NM_145862.3); c.346G>C (NM_007194.3); short protein forms G116R, G159R.
Identifiers: ClinVar variation 1338042 (VCV001338042.5), dbSNP rs2146071181, ClinGen allele CA411108202.